The following is an entry in ClinVar:

NM_201253.3(CRB1):c.3158T>A (p.Met1053Lys)

Gene: CRB1 (crumbs cell polarity complex component 1; plus strand). Cytogenetic location: 1q31.3.
Variant type: single nucleotide variant.
Coding change: c.3158T>A on transcript NM_201253.3 (MANE Select); coding-DNA position 3158, T replaced by A.
Protein change: p.Met1053Lys; replaces methionine 1053 with lysine.
Molecular consequence: missense variant. On other transcripts: non-coding transcript variant (2), intron variant (1).
Genome position (GRCh38, 1-based): chr1:197,435,021, T>A. VCF-style: chr1-197435021-T-A. GRCh37 (hg19) VCF-style: chr1-197404151-T-A.
Other names: c.2822T>A, p.Met941Lys (NM_001193640.2); c.3086T>A, p.Met1029Lys (NM_001257965.2); c.2129-579T>A (NM_001257966.2); short protein forms M1029K, M1053K, M941K.
Identifiers: ClinVar variation 3768802 (VCV003768802.1).

ClinVar aggregate classification (germline): Uncertain significance (1 of 4 stars; one submission).

Submission:

Women's Health and Genetics/Laboratory Corporation of America, LabCorp
Classification: Uncertain significance. Last evaluated: 2025-02-03. Review status: criteria provided, single submitter. Criteria: LabCorp Variant Classification Summary - May 2015. Collection method: clinical testing. Allele origin: germline.
Comment: Variant summary: CRB1 c.3158T>A (p.Met1053Lys) results in a non-conservative amino acid change located in the Laminin G domain (IPR001791) of the encoded protein sequence. Four of five in-silico tools predict a damaging effect of the variant on protein function. The variant was absent in 251102 control chromosomes. The available data on variant occurrences in the general population are insufficient to allow any conclusion about variant significance. c.3158T>A has been reported in the literature in at least one compound heterozygous individual affected with Retinal Dystrophy (e.g. Zenteno_2019). These data do not allow any conclusion about variant significance. To our knowledge, no experimental evidence demonstrating an impact on protein function has been reported. The following publication has been ascertained in the context of this evaluation (PMID: 31736247). No submitters have cited clinical-significance assessments for this variant to ClinVar. Based on the evidence outlined above, the variant was classified as uncertain significance.

Literature cited by the submitters: PubMed 31736247.